The following is an entry in ClinVar:

ClinVar aggregate classification (germline): Uncertain significance (1 of 4 stars; one submission).

Submission:

Labcorp Genetics (formerly Invitae), Labcorp
Classification: Uncertain significance. Last evaluated: 2024-10-10. Review status: criteria provided, single submitter. Criteria: Invitae Variant Classification Sherloc (09022015). Collection method: clinical testing. Allele origin: germline.
Comment: This sequence change replaces valine, which is neutral and non-polar, with aspartic acid, which is acidic and polar, at codon 222 of the C11orf70 protein (p.Val222Asp). This variant is not present in population databases (gnomAD no frequency). This variant has not been reported in the literature in individuals affected with C11orf70-related conditions. Invitae Evidence Modeling of protein sequence and biophysical properties (such as structural, functional, and spatial information, amino acid conservation, physicochemical variation, residue mobility, and thermodynamic stability) indicates that this missense variant is expected to disrupt C11orf70 protein function with a positive predictive value of 80%. In summary, the available evidence is currently insufficient to determine the role of this variant in disease. Therefore, it has been classified as a Variant of Uncertain Significance.

NM_032930.3(CFAP300):c.665T>A (p.Val222Asp)

Gene: CFAP300 (cilia and flagella associated protein 300; plus strand). Cytogenetic location: 11q22.1.
Variant type: single nucleotide variant.
Coding change: c.665T>A on transcript NM_032930.3 (MANE Select); coding-DNA position 665, T replaced by A.
Protein change: p.Val222Asp; replaces valine 222 with aspartic acid.
Molecular consequence: missense variant. On other transcripts: intron variant (1).
Genome position (GRCh38, 1-based): chr11:102,081,271, T>A. VCF-style: chr11-102081271-T-A. GRCh37 (hg19) VCF-style: chr11-101952002-T-A.
Other names: c.604-1800T>A (NM_001363505.2); short protein forms V222D.
Identifiers: ClinVar variation 3719859 (VCV003719859.2).
Genomic context (GRCh38, chr11:102,081,271, plus strand): 5'-TTAGTGTTCGAAAGAATCCTCAAACCAAGAAAATACAGATTACCTCTTCTGTCTTTAAAG[T>A]TTCAGCTTATGTAAGTGTGAGAGAACTTTTGCAACCAAAGAATTTAATTACTTTTTATTA-3'
Protein context (NP_116319.2, residues 212-232): KIQITSSVFK[Val222Asp]SAYDSAGMCY